The following is an entry in ClinVar:

ClinVar aggregate classification (germline): Uncertain significance (1 of 4 stars; one submission).

gnomAD v4.1: 1 of 1,609,608 alleles (0.000062%); highest among the groups gnomAD compares: Non-Finnish European, 0.000085%; no homozygotes.

Submission:

GeneDx
Classification: Uncertain significance. Last evaluated: 2025-07-30. Review status: criteria provided, single submitter. Criteria: GeneDx Variant Classification Process June 2021. Collection method: clinical testing. Allele origin: germline. Affected: yes.
Comment: Not observed at significant frequency in large population cohorts (gnomAD); In silico analysis supports that this missense variant has a deleterious effect on protein structure/function; Has not been previously published as pathogenic or benign to our knowledge

NM_003119.4(SPG7):c.262C>A (p.Pro88Thr)

Gene: SPG7 (SPG7 matrix AAA peptidase subunit, paraplegin; plus strand). Cytogenetic location: 16q24.3.
Variant type: single nucleotide variant.
Coding change: c.262C>A on transcript NM_003119.4 (MANE Select); coding-DNA position 262, C replaced by A.
Protein change: p.Pro88Thr; replaces proline 88 with threonine.
Molecular consequence: missense variant.
Genome position (GRCh38, 1-based): chr16:89,510,568, C>A. VCF-style: chr16-89510568-C-A. GRCh37 (hg19) VCF-style: chr16-89576976-C-A.
Other names: c.262C>A, p.Pro88Thr (NM_001363850.1, NM_199367.3); short protein forms P88T.
Identifiers: ClinVar variation 4689814 (VCV004689814.1).
Genomic context (GRCh38, chr16:89,510,568, plus strand): 5'-CTAACCCCTACCTTTGAAGGGATCAACGGATTGTTGTTGAAACAACATTTAGTTCAGAAT[C>A]CAGTCAGACTCTGGCAACTTTTAGGTATGTATCTGTTTAAAGAAGCAGCTGAGCATGACT-3'
Protein context (NP_003110.1, residues 78-98): LLLKQHLVQN[Pro88Thr]VRLWQLLGGT